The following is an entry in ClinVar:

ClinVar aggregate classification (germline): Uncertain significance. Review status: criteria provided, multiple submitters, no conflicts (2 of 4 stars). 3 submissions from 3 submitters: Uncertain significance (3). Last evaluated 2026-03-31.

Conditions:
Cardiovascular phenotype. Identifiers: MedGen CN230736.
Osteogenesis imperfecta type I (OI1). Also called: OI, TYPE I; OSTEOGENESIS IMPERFECTA TARDA; OSTEOGENESIS IMPERFECTA WITH BLUE SCLERAE; Osteogenesis imperfecta type 1; Classic Non-deforming Osteogenesis Imperfecta with Blue Sclerae; Lobstein's Disease. Identifiers: Orphanet 216796, Orphanet 666, MedGen C0023931, MONDO:0008146, OMIM 166200. Disease mechanism: loss of function.
Ehlers-Danlos syndrome, classic type, 1 (EDSCL1). Also called: EHLERS-DANLOS SYNDROME, GRAVIS TYPE; EHLERS-DANLOS SYNDROME, SEVERE CLASSIC TYPE; Ehlers-Danlos Syndrome, Classic Type, COL5A1-Related; Ehlers-Danlos syndrome, type 1; EDS I. Identifiers: MedGen C0268335, MONDO:0019567, OMIM 130000.

Allele frequency attached by ClinVar (database versions not stated): ExAC 0.00001; gnomAD exomes below 0.00001 and 0.00002; TOPMed 0.00007; ESP Exome Variant Server 0.00008; gnomAD 0.00009 and 0.00010.
gnomAD v4.1: 22 of 1,614,060 alleles (0.0014%); highest among the groups gnomAD compares: African/African-American, 0.02%; 1 homozygote.

Submissions (3):

GeneDx
Classification: Uncertain significance. Last evaluated: 2026-03-31. Review status: criteria provided, single submitter. Criteria: GeneDx Variant Classification Process June 2021. Collection method: clinical testing. Allele origin: germline.
Comment: Has not been previously published as pathogenic or benign to our knowledge; Occurs in the triple helical domain at the Y position in the canonical Gly-X-Y repeat; although this variant may have an effect on normal protein folding and function, missense substitution at the Y position is not a common mechanism of disease (HGMD); In silico analysis suggests that this missense variant does not alter protein structure/function

Ambry Genetics
Classification: Uncertain significance for Cardiovascular phenotype. Last evaluated: 2026-03-13. Review status: criteria provided, single submitter. Criteria: Ambry Variant Classification Scheme 2023. Collection method: clinical testing. Allele origin: germline.
Comment: The p.V834I variant (also known as c.2500G>A), located in coding exon 40 of the COL1A2 gene, results from a G to A substitution at nucleotide position 2500. The valine at codon 834 is replaced by isoleucine, an amino acid with highly similar properties. This amino acid position is poorly conserved in available vertebrate species. In addition, this alteration is predicted to be tolerated by in silico analysis. Based on the available evidence, the clinical significance of this variant remains unclear.

Labcorp Genetics (formerly Invitae), Labcorp
Classification: Uncertain significance for Osteogenesis imperfecta type I; Ehlers-Danlos syndrome, classic type, 1. Last evaluated: 2025-01-27. Review status: criteria provided, single submitter. Criteria: Invitae Variant Classification Sherloc (09022015). Collection method: clinical testing. Allele origin: germline.
Comment: This sequence change replaces valine, which is neutral and non-polar, with isoleucine, which is neutral and non-polar, at codon 834 of the COL1A2 protein (p.Val834Ile). This variant is present in population databases (rs150993338, gnomAD 0.02%). This variant has not been reported in the literature in individuals affected with COL1A2-related conditions. ClinVar contains an entry for this variant (Variation ID: 1406881). Invitae Evidence Modeling of protein sequence and biophysical properties (such as structural, functional, and spatial information, amino acid conservation, physicochemical variation, residue mobility, and thermodynamic stability) indicates that this missense variant is not expected to disrupt COL1A2 protein function with a negative predictive value of 95%. In summary, the available evidence is currently insufficient to determine the role of this variant in disease. Therefore, it has been classified as a Variant of Uncertain Significance.

NM_000089.4(COL1A2):c.2500G>A (p.Val834Ile)

Gene: COL1A2 (collagen type I alpha 2 chain; plus strand). Cytogenetic location: 7q21.3.
Variant type: single nucleotide variant.
Coding change: c.2500G>A on transcript NM_000089.4 (MANE Select); coding-DNA position 2500, G replaced by A.
Protein change: p.Val834Ile; replaces valine 834 with isoleucine.
Molecular consequence: missense variant.
Genome position (GRCh38, 1-based): chr7:94,423,053, G>A. VCF-style: chr7-94423053-G-A. GRCh37 (hg19) VCF-style: chr7-94052365-G-A.
Other names: c.2500G>A (NM_000089.3); short protein forms V834I.
Identifiers: ClinVar variation 1406881 (VCV001406881.10), dbSNP rs150993338, ClinGen allele CA4347463.